The following is an entry in ClinVar:

ClinVar aggregate classification (germline): Likely pathogenic (1 of 4 stars; one submission).

Conditions:
Microcephaly, normal intelligence and immunodeficiency (NBS). Also called: Ataxia telangiectasia variant V1; IMMUNODEFICIENCY, MICROCEPHALY, AND CHROMOSOMAL INSTABILITY; SEEMANOVA SYNDROME II; Immunodeficiency, microcephaly with normal intelligence; Nijmegen breakage syndrome; Microcephaly with normal intelligence immunodeficiency and lymphoreticular malignancies. Identifiers: Orphanet 647, MedGen C0398791, MONDO:0009623, OMIM 251260.

Submission:

Myriad Genetics, Inc.
Classification: Likely pathogenic for Microcephaly, normal intelligence and immunodeficiency. Last evaluated: 2021-11-30. Review status: criteria provided, single submitter. Criteria: Myriad Women's Health Autosomal Recessive and X-Linked Classification Criteria (2021). Collection method: clinical testing. Allele origin: unknown.
Comment: NM_002485.4(NBN):c.1581_1597del17(D527Efs*6) is expected to be pathogenic in the context of Nijmegen breakage syndrome. This variant is predicted to lead to an abnormal or absent protein product due to the creation of a premature termination codon in NBN, a gene where loss-of-function variants are known to be pathogenic. Please note: this variant was assessed in the context of healthy population screening.

NM_002485.5(NBN):c.1581_1597del (p.Asp527fs)

Gene: NBN (nibrin; minus strand). Cytogenetic location: 8q21.3.
Variant type: Deletion.
Coding change: c.1581_1597del on transcript NM_002485.5 (MANE Select); coding-DNA positions 1581 to 1597, 17 bases deleted (TTTAAAATCTATTGTGA).
Protein change: p.Asp527fs; shifts the reading frame from aspartic acid 527.
Molecular consequence: frameshift variant.
Genome position (GRCh38, 1-based): chr8:89,953,492-89,953,508, TCACAATAGATTTTAAA deleted on the plus strand (TTTAAAATCTATTGTGA on the coding strand, the reverse complement: NBN is on the minus strand); deleting any 17 consecutive bases within chr8:89,953,492-89,953,510 gives the same sequence; the c. name uses the placement nearest the transcript's 3' end. VCF-style (leftmost placement, unchanged base first): chr8-89953491-TTCACAATAGATTTTAAA-T. GRCh37 (hg19) VCF-style: chr8-90965719-TTCACAATAGATTTTAAA-T.
Other names: c.1335_1351del, p.Asp445fs (NM_001024688.3); short protein forms D445fs, D527fs.
Identifiers: ClinVar variation 1725095 (VCV001725095.2), dbSNP rs2488232032, ClinGen allele CA2580079064.
Genomic context (GRCh38, chr8:89,953,491, plus strand): 5'-ATTTCCCTTTTTTTATTTGATCTTAGCTTTTCTGCAGCATGAGATTTACTGGCAGAATTT[TTCACAATAGATTTTAAA>T]TCTGTATCTGTAAATAAGTTATTGTCTGAGTTTGTGTCCACAGGCTCATTCTCAGATAGA-3'